The following is an entry in ClinVar:

NM_000535.7(PMS2):c.881G>T (p.Arg294Leu)

Gene: PMS2 (PMS1 homolog 2, mismatch repair system component; minus strand). Cytogenetic location: 7p22.1.
Variant type: single nucleotide variant.
Coding change: c.881G>T on transcript NM_000535.7 (MANE Select); coding-DNA position 881, G replaced by T.
Protein change: p.Arg294Leu; replaces arginine 294 with leucine.
Molecular consequence: missense variant. On other transcripts: 5 prime UTR variant (2), non-coding transcript variant (1).
Genome position (GRCh38, 1-based): chr7:5,995,556, C>A on the plus strand (G>T on the coding strand, the complement: PMS2 is on the minus strand). VCF-style: chr7-5995556-C-A. GRCh37 (hg19) VCF-style: chr7-6035187-C-A.
Other names: c.476G>T, p.Arg159Leu (NM_001322003.2, NM_001322004.2, NM_001322005.2 and 2 more transcripts); c.881G>T, p.Arg294Leu (NM_001322006.2, NM_001322014.2); c.563G>T, p.Arg188Leu (NM_001322007.2, NM_001322008.2); c.-53G>T (NM_001322011.2, NM_001322012.2); c.308G>T, p.Arg103Leu (NM_001322013.2); c.572G>T, p.Arg191Leu (NM_001322015.2); c.881G>T (NM_000535.5); short protein forms R103L, R159L, R188L, R191L, R294L.
Identifiers: ClinVar variation 921525 (VCV000921525.8), dbSNP rs373239341, ClinGen allele CA366743433.

ClinVar aggregate classification (germline): Uncertain significance. Review status: criteria provided, multiple submitters, no conflicts (2 of 4 stars). 4 submissions from 4 submitters: Uncertain significance (4). Last evaluated 2025-11-24.

Conditions:
Hereditary cancer-predisposing syndrome. Also called: Hereditary neoplastic syndrome; Neoplastic Syndromes, Hereditary; Hereditary Cancer Syndrome; Tumor predisposition. Identifiers: Orphanet 140162, MedGen C0027672, MeSH D009386, MONDO:0015356.
Mismatch repair cancer syndrome 4. Identifiers: MedGen C5436817, MONDO:0030843, OMIM 619101.

gnomAD v4.1: 1 of 1,613,626 alleles (0.000062%); highest among the groups gnomAD compares: South Asian, 0.0011%; no homozygotes.

Submissions (4):

Ambry Genetics
Classification: Uncertain significance for Hereditary cancer-predisposing syndrome. Last evaluated: 2025-11-24. Review status: criteria provided, single submitter. Criteria: Ambry Variant Classification Scheme 2023. Collection method: clinical testing. Allele origin: germline.
Comment: The p.R294L variant (also known as c.881G>T), located in coding exon 8 of the PMS2 gene, results from a G to T substitution at nucleotide position 881. The arginine at codon 294 is replaced by leucine, an amino acid with dissimilar properties. This amino acid position is not well conserved in available vertebrate species. In addition, the in silico prediction for this alteration is inconclusive. Based on the available evidence, the clinical significance of this variant remains unclear.

Dasa
Classification: Uncertain significance. Last evaluated: 2025-04-14. Review status: criteria provided, single submitter. Criteria: DASA Assertion Criteria. Collection method: clinical testing. Allele origin: germline.
Comment: NM_000535.7(PMS2):c.881G>T (p.Arg294Leu) is a missense variant that results in the substitution of arginine with leucine. This variant is rare in population databases. Computational prediction algorithms are consistent with a benign effect. The currently available literature and clinical evidence are not sufficient to establish a definitive association between this variant and the reported condition. Therefore, this variant is classified as a variant of uncertain significance.

Color Diagnostics, LLC DBA Color Health
Classification: Uncertain significance for Hereditary cancer-predisposing syndrome. Last evaluated: 2024-03-06. Review status: criteria provided, single submitter. Criteria: ACMG Guidelines, 2015. Collection method: clinical testing. Allele origin: germline.
Comment: This missense variant replaces arginine with leucine at codon 294 of the PMS2 protein. Computational prediction tool suggests that this variant may not impact protein structure and function (internally defined REVEL score threshold <=0.5, PMID: 27666373). Splice site prediction tools suggest that this variant may not impact RNA splicing. To our knowledge, functional studies have not been performed for this variant. This variant has not been reported in individuals affected with hereditary cancer in the literature. This variant has not been identified in the general population by the Genome Aggregation Database (gnomAD). The available evidence is insufficient to determine the role of this variant in disease conclusively. Therefore, this variant is classified as a Variant of Uncertain Significance.

Department of Pathology and Laboratory Medicine, Sinai Health System
Classification: Uncertain significance for Mismatch repair cancer syndrome 4. Last evaluated: 2020-07-14. Review status: criteria provided, single submitter. Criteria: ACMG Guidelines, 2015. Collection method: clinical testing. Allele origin: germline. Affected: yes.